The following is an entry in ClinVar:

ClinVar aggregate classification (germline): Benign. Review status: criteria provided, multiple submitters, no conflicts (2 of 4 stars). 15 submissions from 13 submitters: Benign (12). 3 of the submissions do not count toward it. Last evaluated 2026-01-22.

Conditions:
Familial amyloid nephropathy with urticaria AND deafness (MWS). Also called: Urticaria, deafness and amyloidosis; UDA SYNDROME; URTICARIA-DEAFNESS-AMYLOIDOSIS SYNDROME; CRYOPYRIN-ASSOCIATED PERIODIC SYNDROME 2; MUCKLE-WELLS SYNDROME. Identifiers: Orphanet 575, MedGen C0268390, MONDO:0008633, OMIM 191900.
Familial cold autoinflammatory syndrome 1 (FCAS1). Also called: CRYOPYRIN-ASSOCIATED PERIODIC SYNDROME 1; Familial cold inflammatory syndrome 1. Identifiers: Orphanet 47045, MedGen C4551895, MONDO:0007349, OMIM 120100.
Autoinflammatory syndrome. Identifiers: Orphanet 93665, MedGen C3890737, MONDO:0019751.
Cryopyrin associated periodic syndrome (CAPS). Identifiers: Orphanet 208650, MedGen C2316212, MONDO:0016168.
NLRP3-related disorder. Also called: NLRP3-related condition; NLRP3-Related Disorders.
Chronic infantile neurological, cutaneous and articular syndrome (CINCA). Also called: Prieur Griscelli syndrome; CHRONIC NEUROLOGIC CUTANEOUS AND ARTICULAR SYNDROME; CRYOPYRIN-ASSOCIATED PERIODIC SYNDROME 3; CINCA syndrome. Identifiers: Orphanet 1451, MedGen C0409818, MONDO:0011776, OMIM 607115.

Allele frequency attached by ClinVar (database versions not stated): gnomAD exomes 0.00162; ExAC 0.00210; gnomAD 0.00622 and 0.00680; ESP Exome Variant Server 0.00646; TOPMed 0.00716; 1000 Genomes Project 0.00799; 1000 Genomes Project 30x 0.00828.
gnomAD v4.1: 1,827 of 1,613,922 alleles (0.11%); highest among the groups gnomAD compares: African/African-American, 2.1%; 25 homozygotes.

Submissions (15):

Labcorp Genetics (formerly Invitae), Labcorp
Classification: Benign for Cryopyrin associated periodic syndrome. Last evaluated: 2026-01-22. Review status: criteria provided, single submitter. Criteria: Invitae Variant Classification Sherloc (09022015). Collection method: clinical testing. Allele origin: germline.

Women's Health and Genetics/Laboratory Corporation of America, LabCorp
Classification: Benign. Last evaluated: 2026-01-22. Review status: criteria provided, single submitter. Criteria: LabCorp Variant Classification Summary - May 2015. Collection method: clinical testing. Allele origin: germline.

Blueprint Genetics
Classification: Benign. Last evaluated: 2024-11-21. Review status: criteria provided, single submitter. Criteria: ACMG Guidelines, 2015. Collection method: clinical testing. Allele origin: germline.

ARUP Laboratories, Molecular Genetics and Genomics, ARUP Laboratories
Classification: Benign. Last evaluated: 2024-09-23. Review status: criteria provided, single submitter. Criteria: ARUP Molecular Germline Variant Investigation Process 2024. Collection method: clinical testing. Allele origin: germline.

Genome Diagnostics Laboratory, The Hospital for Sick Children
Classification: Benign for Autoinflammatory syndrome. Last evaluated: 2022-04-19. Review status: criteria provided, single submitter. Criteria: ACMG Guidelines, 2015. Collection method: clinical testing. Allele origin: germline. Affected: yes.

Mayo Clinic Laboratories, Mayo Clinic
Classification: Benign. Last evaluated: 2021-06-02. Review status: criteria provided, single submitter. Criteria: ACMG Guidelines, 2015. Collection method: clinical testing. Allele origin: germline. Observed: 5 variant alleles.

Illumina Laboratory Services, Illumina
Classification: Benign for Familial cold autoinflammatory syndrome 1. Last evaluated: 2018-01-13. Review status: criteria provided, single submitter. Criteria: ICSL Variant Classification Criteria 13 December 2019. Collection method: clinical testing. Allele origin: germline.
Comment: This variant was observed in the ICSL laboratory as part of a predisposition screen in an ostensibly healthy population. It had not been previously curated by ICSL or reported in the Human Gene Mutation Database (HGMD: prior to June 1st, 2018), and was therefore a candidate for classification through an automated scoring system. Utilizing variant allele frequency, disease prevalence and penetrance estimates, and inheritance mode, an automated score was calculated to assess if this variant is too frequent to cause the disease. Based on the score and internal cut-off values, a variant classified as benign is not then subjected to further curation. The score for this variant resulted in a classification of benign for this disease.

Illumina Laboratory Services, Illumina
Classification: Benign for Chronic infantile neurological, cutaneous and articular syndrome. Last evaluated: 2018-01-13. Review status: criteria provided, single submitter. Criteria: ICSL Variant Classification Criteria 13 December 2019. Collection method: clinical testing. Allele origin: germline.
Comment: the same text as in the submission from Illumina Laboratory Services, Illumina above.

Illumina Laboratory Services, Illumina
Classification: Benign for Familial amyloid nephropathy with urticaria AND deafness. Last evaluated: 2018-01-13. Review status: criteria provided, single submitter. Criteria: ICSL Variant Classification Criteria 13 December 2019. Collection method: clinical testing. Allele origin: germline.
Comment: the same text as in the submission from Illumina Laboratory Services, Illumina above.

Laboratory for Molecular Medicine, Mass General Brigham Personalized Medicine
Classification: Benign. Last evaluated: 2017-08-23. Review status: criteria provided, single submitter. Criteria: LMM Criteria. Collection method: clinical testing. Allele origin: germline. Observed: 5 variant alleles.
Comment: p.Tyr143Tyr in exon 5 of NLRP3: This variant is not expected to have clinical si gnificance because it does not alter an amino acid residue, is not located withi n the splice consensus sequence, and has been identified in 2.26% (226/10022) of African chromosomes by the Exome Aggregation Consortium (ExAC; dbSNP rs56710146).

GeneDx
Classification: Benign. Last evaluated: 2015-03-03. Review status: criteria provided, single submitter. Criteria: GeneDx Variant Classification Process June 2021. Collection method: clinical testing. Allele origin: germline. Affected: yes.

Breakthrough Genomics
Classification: Benign. Review status: criteria provided, single submitter. Criteria: ACMG Guidelines, 2015. Collection method: not provided. Allele origin: germline. Inheritance: Autosomal dominant inheritance. Affected: yes.

PreventionGenetics, part of Exact Sciences
Classification: Benign for NLRP3-related condition. Last evaluated: 2021-01-28. Review status: no assertion criteria provided. Collection method: clinical testing. Allele origin: germline. Not counted in ClinVar's aggregate classification.
Comment: This variant is classified as benign based on ACMG/AMP sequence variant interpretation guidelines (Richards et al. 2015 PMID: 25741868, with internal and published modifications).

Clinical Genetics DNA and cytogenetics Diagnostics Lab, Erasmus MC, Erasmus Medical Center
Classification: Benign. Review status: no assertion criteria provided. Collection method: clinical testing. Allele origin: germline. Affected: yes. Study: VKGL Data-share Consensus. Not counted in ClinVar's aggregate classification.

Genome Diagnostics Laboratory, University Medical Center Utrecht
Classification: Likely benign. Review status: no assertion criteria provided. Collection method: clinical testing. Allele origin: germline. Affected: yes. Study: VKGL Data-share Consensus. Not counted in ClinVar's aggregate classification.

NM_001243133.2(NLRP3):c.423C>T (p.Tyr141=)

Gene: NLRP3 (NLR family pyrin domain containing 3; plus strand). Cytogenetic location: 1q44.
Variant type: single nucleotide variant.
Coding change: c.423C>T on transcript NM_001243133.2 (MANE Select); coding-DNA position 423, C replaced by T.
Protein change: p.Tyr141=; no amino-acid change (tyrosine 141 retained).
Molecular consequence: synonymous variant.
Genome position (GRCh38, 1-based): chr1:247,423,872, C>T. VCF-style: chr1-247423872-C-T. GRCh37 (hg19) VCF-style: chr1-247587174-C-T.
Other names: p.Tyr143=; c.423C>T, p.Tyr141= (NM_001079821.3, NM_001127461.3, NM_001127462.3 and 1 more transcripts); c.429C>T, p.Tyr143= (NM_004895.5).
Identifiers: ClinVar variation 296944 (VCV000296944.39), dbSNP rs56710146, ClinGen allele CA1494872.
Genomic context (GRCh38, chr1:247,423,872, plus strand): 5'-TATACTTTCCCCCTAACTTCCTGTCTTTGCCGTAGATTACCGTAAGAAGTACAGAAAGTA[C>T]GTGAGAAGCAGATTCCAGTGCATTGAAGACAGGAATGCCCGTCTGGGTGAGAGTGTGAGC-3'
Protein context (NP_001230062.1, residues 131-151): KKDYRKKYRK[Tyr141=]VRSRFQCIED